The following is an entry in ClinVar:

NM_183235.3(RAB27A):c.240-5_242del

Gene: RAB27A (RAB27A, member RAS oncogene family; minus strand). Cytogenetic location: 15q21.3.
Variant type: Deletion.
Coding change: c.240-5_242del on transcript NM_183235.3 (MANE Select); 5 bases into the intron before coding-DNA position 240 through coding-DNA position 242, 8 bases deleted (CCTAGGTT; older notation c.240-5_242delCCTAGGTT).
Molecular consequence: splice acceptor variant.
Genome position (GRCh38, 1-based): chr15:55,228,710-55,228,717, AACCTAGG deleted on the plus strand (CCTAGGTT on the coding strand, the reverse complement: RAB27A is on the minus strand); deleting any 8 consecutive bases within chr15:55,228,710-55,228,720 gives the same sequence; the c. name uses the placement nearest the transcript's 3' end. VCF-style (leftmost placement, unchanged base first): chr15-55228709-AAACCTAGG-A. GRCh37 (hg19) VCF-style: chr15-55520907-AAACCTAGG-A.
Other names: c.240-5_242del (NM_001438970.1, NM_001438977.1, NM_001438975.1 and 11 more transcripts).
Identifiers: ClinVar variation 3572949 (VCV003572949.1), dbSNP rs1895912791.

ClinVar aggregate classification (germline): Pathogenic (1 of 4 stars; one submission).

Conditions:
Griscelli syndrome type 2 (GS2). Also called: GRISCELLI SYNDROME WITH HEMOPHAGOCYTIC SYNDROME; PAID SYNDROME; PARTIAL ALBINISM AND IMMUNODEFICIENCY SYNDROME. Identifiers: Orphanet 381, Orphanet 79477, MedGen C1868679, MONDO:0011872, OMIM 607624.

Submission:

Regional Center For Medical Genetics Timis, Louis Turcanu Emergency Hospital for Children Timisoara
Classification: Pathogenic for Griscelli syndrome type 2. Last evaluated: 2025-01-12. Review status: criteria provided, single submitter. Criteria: ACMG Guidelines, 2015. Collection method: clinical testing. Allele origin: germline. Affected: yes. Observed: 1 variant allele.
Comment: This variant has not been previously reported in healthy population databases (gnomAD v4.1.0). This variant leads to exon skipping, frameshift, protein truncation/premature transcript degradation and loss of function (LOF). LOF RAB27A variants are known to be pathogenic. Therefore, this variant was classified as pathogenic, according to ACMG and ClinGen classifications. (PVS1, PM2_Supporting, PM3_Supporting)